The following is an entry in ClinVar:

ClinVar aggregate classification (germline): Uncertain significance (1 of 4 stars; one submission).

gnomAD v4.1: 311 of 1,613,376 alleles (0.019%); highest among the groups gnomAD compares: Admixed American, 0.12%; 1 homozygote.

Submission:

Women's Health and Genetics/Laboratory Corporation of America, LabCorp
Classification: Uncertain significance. Last evaluated: 2026-02-04. Review status: criteria provided, single submitter. Criteria: LabCorp Variant Classification Summary - May 2015. Collection method: clinical testing. Allele origin: germline.
Comment: Variant summary: FLG c.2132G>A (p.Arg711His) results in a non-conservative amino acid change in the encoded protein sequence. Algorithms developed to predict the effect of missense changes on protein structure and function are either unavailable or do not agree on the potential impact of this missense change. The variant allele was found at a frequency of 0.00031 in 251474 control chromosomes in the gnomAD database, including 1 homozygote. This frequency is not significantly higher than estimated for disease-causing variants in FLG, allowing no conclusion about variant significance. To our knowledge, no occurrence of c.2132G>A in individuals affected with FLG-related conditions and no experimental evidence demonstrating its impact on protein function have been reported. No submitters have cited clinical-significance assessments for this variant to ClinVar. Based on the evidence outlined above, the variant was classified as uncertain significance.

NM_002016.2(FLG):c.2132G>A (p.Arg711His)

Genes: CCDST (cervical cancer associated DHX9 suppressive transcript; plus strand), FLG (filaggrin; minus strand). Cytogenetic location: 1q21.3.
Variant type: single nucleotide variant.
Coding change: c.2132G>A on transcript NM_002016.2 (MANE Select); coding-DNA position 2132, G replaced by A.
Protein change: p.Arg711His; replaces arginine 711 with histidine.
Molecular consequence: missense variant.
Genome position (GRCh38, 1-based): chr1:152,312,754, C>T on the plus strand (G>A on the coding strand, the complement: FLG is on the minus strand). VCF-style: chr1-152312754-C-T. GRCh37 (hg19) VCF-style: chr1-152285230-C-T.
Other names: short protein forms R711H.
Identifiers: ClinVar variation 4848034 (VCV004848034.1).